The following is an entry in ClinVar:

ClinVar aggregate classification (germline): Uncertain significance (1 of 4 stars; one submission).

Submission:

GeneDx
Classification: Uncertain significance. Last evaluated: 2025-03-21. Review status: criteria provided, single submitter. Criteria: GeneDx Variant Classification Process June 2021. Collection method: clinical testing. Allele origin: germline. Affected: yes.
Comment: Not observed at significant frequency in large population cohorts (gnomAD); In-frame deletion of 8 amino acid(s) in a non-repeat region; In silico analysis supports a deleterious effect on protein structure/function; Has not been previously published as pathogenic or benign to our knowledge

NM_002528.7(NTHL1):c.221_244del (p.Leu74_Pro81del)

Gene: NTHL1 (nth like DNA glycosylase 1; minus strand). Cytogenetic location: 16p13.3.
Variant type: Deletion.
Coding change: c.221_244del on transcript NM_002528.7 (MANE Select); coding-DNA positions 221 to 244, 24 bases deleted (TCAAGGTGCCAGTCTGGGAGCCCC).
Protein change: p.Leu74_Pro81del.
Molecular consequence: inframe deletion. On other transcripts: intron variant (1).
Genome position (GRCh38, 1-based): chr16:2,046,238-2,046,261, GGGGCTCCCAGACTGGCACCTTGA deleted on the plus strand (TCAAGGTGCCAGTCTGGGAGCCCC on the coding strand, the reverse complement: NTHL1 is on the minus strand); deleting any 24 consecutive bases within chr16:2,046,238-2,046,268 gives the same sequence; the c. name uses the placement nearest the transcript's 3' end. VCF-style (leftmost placement, unchanged base first): chr16-2046237-TGGGGCTCCCAGACTGGCACCTTGA-T. GRCh37 (hg19) VCF-style: chr16-2096238-TGGGGCTCCCAGACTGGCACCTTGA-T.
Other names: c.221_244del, p.Leu74_Pro81del (NM_001318193.2); c.24+19_24+42del (NM_001318194.2).
Identifiers: ClinVar variation 4086787 (VCV004086787.1).
Genomic context (GRCh38, chr16:2,046,237, plus strand): 5'-ACAGGTGCATCCTTTTTGTTCCTCATGGCACGGATGTTGACCAGCTGTTGCTGCCAGTCC[TGGGGCTCCCAGACTGGCACCTTGA>T]GGGGCTCAGCCCCCTCACCTTTCTCACTGTCCGAGCCCTCATAGGCCACACGCAGTCTCT-3'